The following is an entry in ClinVar:

ClinVar aggregate classification (germline): Uncertain significance (1 of 4 stars; one submission).

gnomAD v4.1: 15 of 1,593,824 alleles (0.00094%); highest among the groups gnomAD compares: Admixed American, 0.007%; no homozygotes.

Submission:

Labcorp Genetics (formerly Invitae), Labcorp
Classification: Uncertain significance. Last evaluated: 2025-09-08. Review status: criteria provided, single submitter. Criteria: Invitae Variant Classification Sherloc (09022015). Collection method: clinical testing. Allele origin: germline.
Comment: This sequence change replaces proline, which is neutral and non-polar, with leucine, which is neutral and non-polar, at codon 357 of the PRKCSH protein (p.Pro357Leu). The frequency data for this variant in the population databases is considered unreliable, as metrics indicate poor data quality at this position in the gnomAD database. This variant has not been reported in the literature in individuals affected with PRKCSH-related conditions. An algorithm developed to predict the effect of missense changes on protein structure and function (PolyPhen-2) suggests that this variant is likely to be disruptive. In summary, the available evidence is currently insufficient to determine the role of this variant in disease. Therefore, it has been classified as a Variant of Uncertain Significance.

NM_001289104.2(PRKCSH):c.1091C>T (p.Pro364Leu)

Gene: PRKCSH (PRKCSH beta subunit of glucosidase II; plus strand). Cytogenetic location: 19p13.2.
Variant type: single nucleotide variant.
Coding change: c.1091C>T on transcript NM_001289104.2 (MANE Select); coding-DNA position 1091, C replaced by T.
Protein change: p.Pro364Leu; replaces proline 364 with leucine.
Molecular consequence: missense variant.
Genome position (GRCh38, 1-based): chr19:11,447,754, C>T. VCF-style: chr19-11447754-C-T. GRCh37 (hg19) VCF-style: chr19-11558569-C-T.
Other names: c.1061C>T, p.Pro354Leu (NM_001001329.3, NM_001289102.2, NM_001379609.1); c.1091C>T, p.Pro364Leu (NM_001289103.2); c.1070C>T, p.Pro357Leu (NM_001379608.1, NM_002743.3); short protein forms P357L, P354L, P364L.
Identifiers: ClinVar variation 4705403 (VCV004705403.1).